The following is an entry in ClinVar:

ClinVar aggregate classification (germline): Likely benign (1 of 4 stars; one submission).

gnomAD v4.1: 1,171 of 456,096 alleles (0.26%); highest among the groups gnomAD compares: Non-Finnish European, 0.41%; 7 homozygotes.

Submission:

CeGaT Center for Human Genetics Tuebingen
Classification: Likely benign. Last evaluated: 2026-03-01. Review status: criteria provided, single submitter. Criteria: CeGaT Center For Human Genetics Tuebingen Variant Classification Criteria Version 2. Collection method: clinical testing. Allele origin: germline. Affected: yes. Observed: 1 variant allele.
Comment: GNL2: BS2

NM_013285.3(GNL2):c.909+691C>T

Gene: GNL2 (G protein nucleolar 2; minus strand). Cytogenetic location: 1p34.3.
Variant type: single nucleotide variant.
Coding change: c.909+691C>T on transcript NM_013285.3 (MANE Select); 691 bases into the intron after coding-DNA position 909, C replaced by T.
Molecular consequence: intron variant. On other transcripts: missense variant (1).
Genome position (GRCh38, 1-based): chr1:37,581,532, G>A on the plus strand (C>T on the coding strand, the complement: GNL2 is on the minus strand). VCF-style: chr1-37581532-G-A. GRCh37 (hg19) VCF-style: chr1-38047133-G-A.
Other names: c.923C>T, p.Thr308Met (NM_001323623.2); c.360+691C>T (NM_001323624.2); short protein forms T308M.
Identifiers: ClinVar variation 4820751 (VCV004820751.4).